The following is an entry in ClinVar:

ClinVar aggregate classification (germline): Uncertain significance (1 of 4 stars; one submission).

Conditions:
AUTS2-related disorder. Also called: AUTS2-related condition.

Allele frequency attached by ClinVar (database versions not stated): gnomAD exomes 0.00001; TOPMed below 0.00001.
gnomAD v4.1: 16 of 1,578,234 alleles (0.001%); highest among the groups gnomAD compares: East Asian, 0.0023%; no homozygotes.

Submission:

PreventionGenetics, part of Exact Sciences
Classification: Uncertain significance for AUTS2-related condition. Last evaluated: 2023-09-06. Review status: criteria provided, single submitter. Criteria: ACMG Guidelines, 2015. Collection method: clinical testing. Allele origin: germline.
Comment: The AUTS2 c.2837C>A variant is predicted to result in the amino acid substitution p.Thr946Asn. To our knowledge, this variant has not been reported in the literature or in a large population database, indicating this variant is rare. At this time, the clinical significance of this variant is uncertain due to the absence of conclusive functional and genetic evidence.

NM_015570.4(AUTS2):c.2837C>A (p.Thr946Asn)

Gene: AUTS2 (activator of transcription and developmental regulator AUTS2; plus strand). Cytogenetic location: 7q11.22.
Variant type: single nucleotide variant.
Coding change: c.2837C>A on transcript NM_015570.4 (MANE Select); coding-DNA position 2837, C replaced by A.
Protein change: p.Thr946Asn; replaces threonine 946 with asparagine.
Molecular consequence: missense variant.
Genome position (GRCh38, 1-based): chr7:70,790,053, C>A. VCF-style: chr7-70790053-C-A. GRCh37 (hg19) VCF-style: chr7-70255039-C-A.
Other names: c.2765C>A, p.Thr922Asn (NM_001127231.3); short protein forms T922N, T946N.
Identifiers: ClinVar variation 2631299 (VCV002631299.1), dbSNP rs1254253472, ClinGen allele CA367664929.